The following is an entry in ClinVar:

NM_020778.5(ALPK3):c.3254C>A (p.Ser1085Ter)

Gene: ALPK3 (alpha kinase 3; plus strand). Cytogenetic location: 15q25.3.
Variant type: single nucleotide variant.
Coding change: c.3254C>A on transcript NM_020778.5 (MANE Select); coding-DNA position 3254, C replaced by A.
Protein change: p.Ser1085Ter; replaces serine 1085 with a stop codon.
Molecular consequence: nonsense.
Genome position (GRCh38, 1-based): chr15:84,857,992, C>A. VCF-style: chr15-84857992-C-A. GRCh37 (hg19) VCF-style: chr15-85401223-C-A.
Other names: short protein forms S1085*.
Identifiers: ClinVar variation 4714697 (VCV004714697.1).

ClinVar aggregate classification (germline): Pathogenic (1 of 4 stars; one submission).

Submission:

Labcorp Genetics (formerly Invitae), Labcorp
Classification: Pathogenic. Last evaluated: 2025-03-09. Review status: criteria provided, single submitter. Criteria: Invitae Variant Classification Sherloc (09022015). Collection method: clinical testing. Allele origin: germline.
Comment: This sequence change creates a premature translational stop signal (p.Ser1287*) in the ALPK3 gene. It is expected to result in an absent or disrupted protein product. Loss-of-function variants in ALPK3 are known to be pathogenic (PMID: 21441111, 26846950, 27106955, 34263907). This variant is not present in population databases (gnomAD no frequency). This variant has not been reported in the literature in individuals affected with ALPK3-related conditions. For these reasons, this variant has been classified as Pathogenic.

Literature cited by the submitters: PubMed 21441111; PubMed 26846950; PubMed 27106955; PubMed 34263907.